The following is an entry in ClinVar:

NM_006379.5(SEMA3C):c.80C>G (p.Ala27Gly)

Gene: SEMA3C (semaphorin 3C; minus strand). Cytogenetic location: 7q21.11.
Variant type: single nucleotide variant.
Coding change: c.80C>G on transcript NM_006379.5 (MANE Select); coding-DNA position 80, C replaced by G.
Protein change: p.Ala27Gly; replaces alanine 27 with glycine.
Molecular consequence: missense variant. On other transcripts: 5 prime UTR variant (1).
Genome position (GRCh38, 1-based): chr7:80,916,702, G>C on the plus strand (C>G on the coding strand, the complement: SEMA3C is on the minus strand). VCF-style: chr7-80916702-G-C. GRCh37 (hg19) VCF-style: chr7-80546018-G-C.
Other names: c.134C>G, p.Ala45Gly (NM_001350120.2); c.-183C>G (NM_001350121.2); short protein forms A27G, A45G.
Identifiers: ClinVar variation 4983645 (VCV004983645.1).

ClinVar aggregate classification (germline): Uncertain significance (1 of 4 stars; one submission).

Conditions:
SEMA3C-related disorder. Also called: SEMA3C-related condition.

gnomAD v4.1: 6 of 1,611,612 alleles (0.00037%); highest among the groups gnomAD compares: Non-Finnish European, 0.00051%; no homozygotes.

Submission:

PreventionGenetics, part of Exact Sciences
Classification: Uncertain significance for SEMA3C-related condition. Last evaluated: 2026-01-31. Review status: criteria provided, single submitter. Criteria: ACMG Guidelines, 2015. Collection method: clinical testing. Allele origin: germline.
Comment: The SEMA3C c.134C>G variant is predicted to result in the amino acid substitution p.Ala45Gly. To our knowledge, this variant has not been reported in the literature or in a large population database (gnomAD), indicating this variant is rare. At this time, the clinical significance of this variant is uncertain due to the absence of conclusive functional and genetic evidence.